The following is an entry in ClinVar:

ClinVar aggregate classification (germline): Uncertain significance (1 of 4 stars; one submission).

Submission:

Ambry Genetics
Classification: Uncertain significance. Last evaluated: 2024-04-09. Review status: criteria provided, single submitter. Criteria: Ambry Variant Classification Scheme 2023. Collection method: clinical testing. Allele origin: germline.
Comment: The p.L338S variant (also known as c.1013T>C), located in coding exon 9 of the RAD54L gene, results from a T to C substitution at nucleotide position 1013. The leucine at codon 338 is replaced by serine, an amino acid with dissimilar properties. This amino acid position is conserved. In addition, this alteration is predicted to be deleterious by in silico analysis. Based on the available evidence, the clinical significance of this variant remains unclear.

NM_003579.4(RAD54L):c.1013T>C (p.Leu338Ser)

Gene: RAD54L (RAD54 like; plus strand). Cytogenetic location: 1p34.1.
Variant type: single nucleotide variant.
Coding change: c.1013T>C on transcript NM_003579.4 (MANE Select); coding-DNA position 1013, T replaced by C.
Protein change: p.Leu338Ser; replaces leucine 338 with serine.
Molecular consequence: missense variant.
Genome position (GRCh38, 1-based): chr1:46,267,580, T>C. VCF-style: chr1-46267580-T-C. GRCh37 (hg19) VCF-style: chr1-46733252-T-C.
Other names: c.1013T>C, p.Leu338Ser (NM_001142548.2); c.473T>C, p.Leu158Ser (NM_001370766.1); short protein forms L158S, L338S.
Identifiers: ClinVar variation 3312434 (VCV003312434.1).